The following is an entry in ClinVar:

ClinVar aggregate classification (germline): Conflicting classifications of pathogenicity. Review status: criteria provided, conflicting classifications (1 of 4 stars). 16 submissions from 16 submitters: Uncertain significance (2); Benign (5); Likely benign (5). 4 of the submissions do not count toward it. Last evaluated 2026-04-01.

Conditions:
Cardiovascular phenotype. Identifiers: MedGen CN230736.
ABCC9-related disorder. Also called: ABCC9-related disorders; ABCC9-related condition.
Cardiomyopathy (CMYO). Also called: Cardiomyopathies. Identifiers: Orphanet 167848, MedGen C0878544, MONDO:0004994, HP:0001638. Inheritance: Various modes of inheritance.
Hypertrichotic osteochondrodysplasia Cantu type. Also called: Cantú Syndrome; Cantu Syndrome. Identifiers: Orphanet 1517, MedGen C0795905, MONDO:0009406, OMIM 239850.
Dilated cardiomyopathy 1O (CMD1O). Also called: CARDIOMYOPATHY, DILATED, WITH VENTRICULAR TACHYCARDIA. Identifiers: Orphanet 154, MedGen C1837839, MONDO:0012062, OMIM 608569.

Allele frequency attached by ClinVar (database versions not stated): gnomAD 0.00056 and 0.00075; TOPMed 0.00061; gnomAD exomes 0.00072 and 0.00147; ESP Exome Variant Server 0.00085; 1000 Genomes Project 30x 0.00156; ExAC 0.00162; 1000 Genomes Project 0.00180.
gnomAD v4.1: 1,206 of 1,588,992 alleles (0.076%); highest among the groups gnomAD compares: South Asian, 0.55%; 9 homozygotes.

Submissions (18):

CeGaT Center for Human Genetics Tuebingen
Classification: Likely benign. Last evaluated: 2026-04-01. Review status: criteria provided, single submitter. Criteria: CeGaT Center For Human Genetics Tuebingen Variant Classification Criteria Version 2. Collection method: clinical testing. Allele origin: germline. Affected: yes. Observed: 5 variant alleles.
Comment: ABCC9: BS2

Labcorp Genetics (formerly Invitae), Labcorp
Classification: Benign for Dilated cardiomyopathy 1O. Last evaluated: 2026-01-21. Review status: criteria provided, single submitter. Criteria: Invitae Variant Classification Sherloc (09022015). Collection method: clinical testing. Allele origin: germline.

Women's Health and Genetics/Laboratory Corporation of America, LabCorp
Classification: Benign. Last evaluated: 2025-12-15. Review status: criteria provided, single submitter. Criteria: LabCorp Variant Classification Summary - May 2015. Collection method: clinical testing. Allele origin: germline.
Comment: Variant summary: ABCC9 c.2238-1G>A is located in a canonical splice-site and is predicted to affect mRNA splicing resulting in a significantly altered protein due to either exon skipping, shortening, or inclusion of intronic material. Variants that disrupt the consensus splice site are a relatively common cause of aberrant splicing, however current evidence is not sufficient to establish loss of function as a mechanism for disease. Several computational tools predict a significant impact on normal splicing: Four predict the variant abolishes the canonical 3' acceptor site. Four predict the variant strengthens a cryptic 3' acceptor site. However, these predictions have yet to be confirmed by functional studies. The variant allele was found at a frequency of 0.0015 in 243104 control chromosomes in the gnomAD database, including 2 homozygotes. The observed variant frequency exceeds the estimated maximal expected allele frequency for disease-causing variants in ABCC9. c.2238-1G>A has been observed in individual(s) affected with Cardiomyopathy (examples- Bottillo_2016, Cirino_2017, Seidelmann_2017), without strong evidence for causality. These report(s) do not provide unequivocal conclusions about association of the variant with Cardiomyopathy. To our knowledge, no experimental evidence demonstrating an impact on protein function has been reported. The following publications have been ascertained in the context of this evaluation (PMID: 26656175, 29030401, 28166811, 39402625, 28087566, 36129056). ClinVar contains an entry for this variant (Variation ID: 162688). Based on the evidence outlined above, the variant was classified as benign.

Mayo Clinic Laboratories, Mayo Clinic
Classification: Likely benign. Last evaluated: 2025-06-11. Review status: criteria provided, single submitter. Criteria: ACMG Guidelines, 2015. Collection method: clinical testing. Allele origin: germline. Observed: 1 variant allele.
Comment: BS1, BS2, PP3

Blueprint Genetics
Classification: Likely benign. Last evaluated: 2024-11-11. Review status: criteria provided, single submitter. Criteria: ACMG Guidelines, 2015. Collection method: clinical testing. Allele origin: germline.

Genomic Medicine Center of Excellence, King Faisal Specialist Hospital and Research Centre
Classification: Likely benign for Hypertrichotic osteochondrodysplasia Cantu type. Last evaluated: 2024-03-26. Review status: criteria provided, single submitter. Criteria: ACMG Guidelines, 2015. Collection method: clinical testing. Allele origin: germline.

Ambry Genetics
Classification: Benign for Cardiovascular phenotype. Last evaluated: 2018-12-03. Review status: criteria provided, single submitter. Criteria: Ambry Variant Classification Scheme 2023. Collection method: clinical testing. Allele origin: germline.

GeneDx
Classification: Benign. Last evaluated: 2018-11-27. Review status: criteria provided, single submitter. Criteria: GeneDx Variant Classification Process June 2021. Collection method: clinical testing. Allele origin: germline. Affected: yes.
Comment: This variant is associated with the following publications: (PMID: 26656175, 28166811, 23861362, 29030401, 28881617, 26046366, 30847666)

CHEO Genetics Diagnostic Laboratory, Children's Hospital of Eastern Ontario
Classification: Benign for Cardiomyopathy. Last evaluated: 2018-04-18. Review status: criteria provided, single submitter. Criteria: ACMG Guidelines, 2015. Collection method: clinical testing. Allele origin: germline.

Illumina Laboratory Services, Illumina
Classification: Uncertain significance for ABCC9-Related Disorders. Last evaluated: 2017-10-18. Review status: criteria provided, single submitter. Criteria: ICSL Variant Classification Criteria 13 December 2019. Collection method: clinical testing. Allele origin: germline.

Laboratory for Molecular Medicine, Mass General Brigham Personalized Medicine
Classification: Uncertain significance. Last evaluated: 2015-03-06. Review status: criteria provided, single submitter. Criteria: LMM Criteria. Collection method: clinical testing. Allele origin: germline. Observed: 5 variant alleles.
Comment: Variant classified as Uncertain Significance - Favor Benign. The c.2238-1G>A var iant in ABCC9 has been identified by our laboratory in two individuals with DCM, one of whom carried a second pathogenic variant in another gene. It has also be en identified in 0.7% (118/16384) of South Asian chromosomes by the Exome Aggreg ation Consortium (ExAC; dbSNP rs141281214). This frequency raises doubt as to whether this variant can cause a dominant disease. However, this variant is expected to abolish the 3? splice site of exon 18 and create a novel spice site 3 bases further downstream, which would result in an i n-frame deletion of one amino acid. In summary, additional information is needed to fully assess the clinical significance of the c.2238-1G>A variant.

Biesecker Lab/Clinical Genomics Section, National Institutes of Health
Classification: Likely benign. Last evaluated: 2013-06-24. Review status: criteria provided, single submitter. Criteria: Ng et al. (Circ Cardiovasc Genet. 2013). Collection method: research. Allele origin: unknown. Observed: 8 variant alleles. Study: ClinSeq.
Comment: The study set was not selected for affection status in relation to any cancer. Pathogenicity categories were based on literature curation. See Pubmed ID:23861362 for details.

Medical sequencing

PreventionGenetics, part of Exact Sciences
Classification: Likely benign for ABCC9-related condition. Last evaluated: 2023-10-24. Review status: no assertion criteria provided. Collection method: clinical testing. Allele origin: germline. Not counted in ClinVar's aggregate classification.
Comment: This variant is classified as likely benign based on ACMG/AMP sequence variant interpretation guidelines (Richards et al. 2015 PMID: 25741868, with internal and published modifications).

Clinical Genetics, Academic Medical Center
Classification: Benign. Review status: no assertion criteria provided. Collection method: clinical testing. Allele origin: germline. Affected: yes. Study: VKGL Data-share Consensus. Not counted in ClinVar's aggregate classification.

Diagnostic Laboratory, Department of Genetics, University Medical Center Groningen
Classification: Likely benign. Review status: no assertion criteria provided. Collection method: clinical testing. Allele origin: germline. Affected: yes. Study: VKGL Data-share Consensus. Not counted in ClinVar's aggregate classification.

Dr. Peter K. Rogan Lab, Western University
No classification provided (evidence only). Condition: Hepatocellular carcinoma. Review status: no classification provided. Collection method: in vitro. Allele origin: not applicable. Functional consequence: retained intron. Not counted in ClinVar's aggregate classification.

Dr. Peter K. Rogan Lab, Western University
No classification provided (evidence only). Condition: Nonpapillary renal cell carcinoma. Review status: no classification provided. Collection method: in vitro. Allele origin: not applicable. Functional consequence: retained intron. Not counted in ClinVar's aggregate classification.

Laboratory of Diagnostic Genome Analysis, Leiden University Medical Center (LUMC)
Classification: Likely benign. Review status: no assertion criteria provided. Collection method: clinical testing. Allele origin: germline. Affected: yes. Study: VKGL Data-share Consensus. Not counted in ClinVar's aggregate classification.

Literature cited by the submitters: PubMed 26656175 (cited by 3 submitters); PubMed 28087566 (cited by Women's Health and Genetics/Laboratory Corporation of America, LabCorp and Mayo Clinic Laboratories, Mayo Clinic); PubMed 28166811 (cited by Women's Health and Genetics/Laboratory Corporation of America, LabCorp and Ambry Genetics); PubMed 29030401 (cited by 3 submitters); PubMed 36129056 (cited by Women's Health and Genetics/Laboratory Corporation of America, LabCorp and Mayo Clinic Laboratories, Mayo Clinic); PubMed 39402625 (cited by Women's Health and Genetics/Laboratory Corporation of America, LabCorp and Mayo Clinic Laboratories, Mayo Clinic); PubMed 30847666 (cited by Mayo Clinic Laboratories, Mayo Clinic); PubMed 35932045 (cited by Mayo Clinic Laboratories, Mayo Clinic).

NM_020297.4(ABCC9):c.2238-1G>A

Gene: ABCC9 (ATP binding cassette subfamily C member 9; minus strand). Cytogenetic location: 12p12.1.
Variant type: single nucleotide variant.
Coding change: c.2238-1G>A on transcript NM_020297.4 (MANE Select); the canonical splice acceptor site of the intron before coding-DNA position 2238, G replaced by A.
Molecular consequence: splice acceptor variant. On other transcripts: intron variant (1).
Genome position (GRCh38, 1-based): chr12:21,863,055, C>T on the plus strand (G>A on the coding strand, the complement: ABCC9 is on the minus strand). VCF-style: chr12-21863055-C-T. GRCh37 (hg19) VCF-style: chr12-22015989-C-T.
Other names: c.1374-4G>A (NM_001377274.1); c.2238-1G>A (NM_005691.4, NM_001377273.1, NM_020297.3).
Identifiers: ClinVar variation 162688 (VCV000162688.64), dbSNP rs141281214, ClinGen allele CA175153.
Genomic context (GRCh38, chr12:21,863,055, plus strand): 5'-ACTGTAGCATTTAATAGCCAAGGCTTTTGAGCTGCATATGCCACAGAGTACCTGTTCCTA[C>T]TGAAAAATGAAAAAGAAAAAAAAAAACACCAGGATTATGCAAAGGTACTGTGCGTGTATG-3'